The following is an entry in ClinVar:

NM_000104.4(CYP1B1):c.1294C>G (p.Leu432Val)

Genes: CYP1B1 (cytochrome P450 family 1 subfamily B member 1; minus strand), LOC128772254 (melanoma risk locus-associated MPRA allelic enhancer 2:38298139; plus strand). Cytogenetic location: 2p22.2.
Variant type: single nucleotide variant.
Coding change: c.1294C>G on transcript NM_000104.4 (MANE Select); coding-DNA position 1294, C replaced by G.
Protein change: p.Leu432Val; replaces leucine 432 with valine.
Molecular consequence: missense variant.
Genome position (GRCh38, 1-based): chr2:38,071,060, G>C on the plus strand (C>G on the coding strand, the complement: CYP1B1 is on the minus strand). VCF-style: chr2-38071060-G-C. GRCh37 (hg19) VCF-style: chr2-38298203-C-C.
Other names: NM_000104.4(CYP1B1):c.1294C>G; p.Leu432Val; short protein forms L432V.
Identifiers: ClinVar variation 456637 (VCV000456637.13), dbSNP rs1056836, ClinGen allele CA45506319.

ClinVar aggregate classification (germline): Benign. Review status: reviewed by expert panel (3 of 4 stars). 3 submissions from 3 submitters: Benign (1). 2 of the submissions do not count toward it. Last evaluated 2025-11-19.

Conditions:
CYP1B1-related glaucoma with or without anterior segment dysgenesis. Identifiers: MedGen CN375931, MONDO:0800472.
Congenital glaucoma. Identifiers: MedGen C0020302, MONDO:0020366.

Allele frequency attached by ClinVar (database versions not stated): 1000 Genomes Project 30x 0.40381; gnomAD exomes 0.41790; gnomAD 0.49415 and 0.51254; TOPMed 0.50334.
gnomAD v4.1: 685,173 of 1,613,386 alleles (42%); highest among the groups gnomAD compares: African/African-American, 78%; 156,236 homozygotes.

Submissions (3):

ClinGen Glaucoma Variant Curation Expert Panel
Classification: Benign for CYP1B1-related glaucoma with or without anterior segment dysgenesis. Last evaluated: 2025-11-19. Review status: reviewed by expert panel. Criteria: ClinGen CYP1B1 ACMG Specifications V1 Approved. Collection method: curation. Allele origin: germline. Inheritance: Autosomal recessive inheritance.
Comment: The c.1294C>G variant in CYP1B1 is a missense variant predicted to cause substitution of Leucine by Valine at amino acid 432 (p.Leu432Val). The highest minor allele frequency of this variant was in the African/African American genetic ancestry group of gnomAD (v4.1.0) = 0.7774, which met the ≥ 0.05 threshold set for BA1 (58,263 alleles out of 74,942, meeting the threshold of ≥ 5 of at least 2,000 observed alleles). This variant is not predicted to affect splicing, as assessed with SpliceAI (≤ 0.1), but a REVEL score was unavailable for this variant, thus BP4 was not applied. PS3_Supporting was not applied as the assays reported in PMIDs: 11854439, 17363580, 10910054 did not meet the OddsPath threshold (> 2.1). In summary, this variant was classified as benign (BA1 is a stand-alone criterion for a benign level of pathogenicity) for CYP1B1-related glaucoma with or without anterior segment dysgenesis (ASD) based on the ACMG/AMP criteria met, as specified by the ClinGen Glaucoma VCEP (v1.0, 06.11.2025): BA1

Labcorp Genetics (formerly Invitae), Labcorp
Classification: Benign for Congenital glaucoma. Last evaluated: 2026-02-04. Review status: criteria provided, single submitter. Criteria: Invitae Variant Classification Sherloc (09022015). Collection method: clinical testing. Allele origin: germline. Not counted in ClinVar's aggregate classification.

Mendelics
Classification: Benign. Last evaluated: 2022-05-04. Review status: criteria provided, single submitter. Criteria: Mendelics Assertion Criteria 2019. Collection method: clinical testing. Allele origin: germline. Not counted in ClinVar's aggregate classification.